The following is an entry in ClinVar:

ClinVar aggregate classification (germline): Uncertain significance (1 of 4 stars; one submission).

Conditions:
Hyperphosphatasia with impaired intellectual development syndrome 2. Also called: Hyperphosphatasia with intellectual disability syndrome 2; GLYCOSYLPHOSPHATIDYLINOSITOL BIOSYNTHESIS DEFECT 6. Identifiers: Orphanet 247262, MedGen C3553637, MONDO:0013882, OMIM 614749.

Submission:

Labcorp Genetics (formerly Invitae), Labcorp
Classification: Uncertain significance for Hyperphosphatasia with impaired intellectual development syndrome 2. Last evaluated: 2019-07-26. Review status: criteria provided, single submitter. Criteria: Invitae Variant Classification Sherloc (09022015). Collection method: clinical testing. Allele origin: germline.
Comment: This variant, c.2607_2609del, results in the deletion of 1 amino acid(s) of the PIGO protein (p.Leu870del), but otherwise preserves the integrity of the reading frame. This variant is not present in population databases (ExAC no frequency). This variant has not been reported in the literature in individuals with PIGO-related conditions. Experimental studies and prediction algorithms are not available or were not evaluated for this variant, and the functional significance of the affected amino acid(s) is currently unknown. In summary, the available evidence is currently insufficient to determine the role of this variant in disease. Therefore, it has been classified as a Variant of Uncertain Significance.

NM_032634.4(PIGO):c.2607_2609del (p.Leu870del)

Gene: PIGO (phosphatidylinositol glycan anchor biosynthesis class O; minus strand). Cytogenetic location: 9p13.3.
Variant type: Deletion.
Coding change: c.2607_2609del on transcript NM_032634.4 (MANE Select); coding-DNA positions 2607 to 2609, 3 bases deleted (CCT; older notation c.2607_2609delCCT).
Protein change: p.Leu870del; deletes leucine 870.
Molecular consequence: inframe deletion.
Genome position (GRCh38, 1-based): chr9:35,091,278-35,091,280, AGG deleted on the plus strand (CCT on the coding strand, the reverse complement: PIGO is on the minus strand); deleting any 3 consecutive bases within chr9:35,091,278-35,091,282 gives the same sequence; the c. name uses the placement nearest the transcript's 3' end. VCF-style (leftmost placement, unchanged base first): chr9-35091277-TAGG-T. GRCh37 (hg19) VCF-style: chr9-35091274-TAGG-T.
Other names: c.1356_1358del, p.Leu453del (NM_001201484.2, NM_152850.4); short protein forms L453del, L870del.
Identifiers: ClinVar variation 938489 (VCV000938489.9), dbSNP rs1829402902, ClinGen allele CA587569190.